The following is an entry in ClinVar:

NM_015311.3(OBSL1):c.423G>A (p.Arg141=)

Gene: OBSL1 (obscurin like cytoskeletal adaptor 1; minus strand). Cytogenetic location: 2q35.
Variant type: single nucleotide variant.
Coding change: c.423G>A on transcript NM_015311.3 (MANE Select); coding-DNA position 423, G replaced by A.
Protein change: p.Arg141=; no amino-acid change (arginine 141 retained).
Molecular consequence: synonymous variant.
Genome position (GRCh38, 1-based): chr2:219,570,810, C>T on the plus strand (G>A on the coding strand, the complement: OBSL1 is on the minus strand). VCF-style: chr2-219570810-C-T. GRCh37 (hg19) VCF-style: chr2-220435532-C-T.
Other names: c.423G>A, p.Arg141= (NM_001173408.2, NM_001173431.2).
Identifiers: ClinVar variation 283605 (VCV000283605.19), dbSNP rs79796143, ClinGen allele CA2131801.

ClinVar aggregate classification (germline): Benign/Likely benign. Review status: criteria provided, multiple submitters, no conflicts (2 of 4 stars). 6 submissions from 6 submitters: Benign (1); Likely benign (4). 1 of the submissions does not count toward it. Last evaluated 2026-05-11.

Conditions:
OBSL1-related disorder. Also called: OBSL1-related condition.
3M syndrome 2. Also called: 3-M Syndrome, OBSL1-Related; THREE M SYNDROME 2. Identifiers: Orphanet 2616, MedGen C2752041, MONDO:0013039, OMIM 612921.

Allele frequency attached by ClinVar (database versions not stated): gnomAD exomes 0.00021 and 0.00024; ExAC 0.00086; ESP Exome Variant Server 0.00127; TOPMed 0.00251; 1000 Genomes Project 0.00260; 1000 Genomes Project 30x 0.00312.
gnomAD v4.1: 622 of 1,485,198 alleles (0.042%); highest among the groups gnomAD compares: African/African-American, 0.82%; 3 homozygotes.

Submissions (6):

Women's Health and Genetics/Laboratory Corporation of America, LabCorp
Classification: Likely benign. Last evaluated: 2026-05-11. Review status: criteria provided, single submitter. Criteria: LabCorp Variant Classification Summary - May 2015. Collection method: clinical testing. Allele origin: germline.

Labcorp Genetics (formerly Invitae), Labcorp
Classification: Likely benign. Last evaluated: 2026-01-25. Review status: criteria provided, single submitter. Criteria: Invitae Variant Classification Sherloc (09022015). Collection method: clinical testing. Allele origin: germline.

Blueprint Genetics
Classification: Likely benign. Last evaluated: 2024-11-11. Review status: criteria provided, single submitter. Criteria: ACMG Guidelines, 2015. Collection method: clinical testing. Allele origin: germline.

Fulgent Genetics
Classification: Likely benign for 3M syndrome 2. Last evaluated: 2022-04-05. Review status: criteria provided, single submitter. Criteria: ACMG Guidelines, 2015. Collection method: clinical testing. Allele origin: unknown.

Eurofins Ntd Llc (ga)
Classification: Benign. Last evaluated: 2015-10-08. Review status: criteria provided, single submitter. Criteria: EGL Classification Definitions 2015. Collection method: clinical testing. Allele origin: germline. Observed: 1 variant allele, 1 heterozygote.

PreventionGenetics, part of Exact Sciences
Classification: Benign for OBSL1-related condition. Last evaluated: 2019-06-25. Review status: no assertion criteria provided. Collection method: clinical testing. Allele origin: germline. Not counted in ClinVar's aggregate classification.
Comment: This variant is classified as benign based on ACMG/AMP sequence variant interpretation guidelines (Richards et al. 2015 PMID: 25741868, with internal and published modifications).